The following is an entry in ClinVar:

ClinVar aggregate classification (germline): Benign/Likely benign. Review status: criteria provided, multiple submitters, no conflicts (2 of 4 stars). 8 submissions from 8 submitters: Benign (2); Likely benign (6). Last evaluated 2025-11-03.

Conditions:
Tuberous sclerosis syndrome (TSC). Also called: Tuberous Sclerosis Complex; Tuberous sclerosis. Identifiers: Orphanet 805, MedGen C0041341, MONDO:0001734.
Hereditary cancer-predisposing syndrome. Also called: Hereditary neoplastic syndrome; Tumor predisposition; Neoplastic Syndromes, Hereditary; Hereditary Cancer Syndrome. Identifiers: Orphanet 140162, MedGen C0027672, MeSH D009386, MONDO:0015356.
Tuberous sclerosis 2 (TSC2). Identifiers: Orphanet 805, MedGen C1860707, MONDO:0013199, OMIM 613254.

Allele frequency attached by ClinVar (database versions not stated): TOPMed 0.00001; gnomAD 0.00002; gnomAD exomes 0.00002 and 0.00004; ExAC 0.00003; ESP Exome Variant Server 0.00015.

Submissions (8):

Labcorp Genetics (formerly Invitae), Labcorp
Classification: Likely benign for Tuberous sclerosis 2. Last evaluated: 2025-11-03. Review status: criteria provided, single submitter. Criteria: Invitae Variant Classification Sherloc (09022015). Collection method: clinical testing. Allele origin: germline.

Myriad Genetics, Inc.
Classification: Benign for Tuberous sclerosis 2. Last evaluated: 2025-05-27. Review status: criteria provided, single submitter. Criteria: Myriad Autosomal Dominant, Autosomal Recessive and X-Linked Classification Criteria (2023). Collection method: clinical testing. Allele origin: unknown.
Comment: This variant is considered benign. This variant is a silent/synonymous amino acid change and it is not expected to impact splicing.

All of Us Research Program, National Institutes of Health
Classification: Likely benign for Tuberous sclerosis syndrome. Last evaluated: 2024-05-30. Review status: criteria provided, single submitter. Criteria: ACMG Guidelines, 2015. Collection method: clinical testing. Allele origin: germline. Inheritance: Autosomal dominant inheritance. Observed: 5 variant alleles, 5 heterozygotes.
Comment: This study involves interpretation of variants in research participants for the purpose of population health screening. Participant phenotype was not available at the time of variant classification. Additional details can be found in publication PMID: 35346344, PMCID: PMC8962531

CeGaT Center for Human Genetics Tuebingen
Classification: Likely benign. Last evaluated: 2023-01-01. Review status: criteria provided, single submitter. Criteria: CeGaT Center For Human Genetics Tuebingen Variant Classification Criteria Version 2. Collection method: clinical testing. Allele origin: germline. Affected: yes. Observed: 1 variant allele.
Comment: TSC2: BP4, BP7

Genome-Nilou Lab
Classification: Benign for Tuberous sclerosis 2. Last evaluated: 2021-11-07. Review status: criteria provided, single submitter. Criteria: ACMG Guidelines, 2015. Collection method: clinical testing. Allele origin: germline. Affected: no.

Ambry Genetics
Classification: Likely benign for Hereditary cancer-predisposing syndrome. Last evaluated: 2018-07-25. Review status: criteria provided, single submitter. Criteria: Ambry Variant Classification Scheme 2023. Collection method: clinical testing. Allele origin: germline.

GeneDx
Classification: Likely benign. Last evaluated: 2018-03-05. Review status: criteria provided, single submitter. Criteria: GeneDx Variant Classification (06012015). Collection method: clinical testing. Allele origin: germline. Affected: yes.
Comment: This variant is considered likely benign or benign based on one or more of the following criteria: it is a conservative change, it occurs at a poorly conserved position in the protein, it is predicted to be benign by multiple in silico algorithms, and/or has population frequency not consistent with disease.

Breakthrough Genomics
Classification: Likely benign. Review status: criteria provided, single submitter. Criteria: ACMG Guidelines, 2015. Collection method: not provided. Allele origin: germline. Inheritance: Autosomal dominant inheritance. Affected: yes.

NM_000548.5(TSC2):c.3039T>C (p.Asp1013=)

Gene: TSC2 (TSC complex subunit 2; plus strand). Cytogenetic location: 16p13.3.
Variant type: single nucleotide variant.
Coding change: c.3039T>C on transcript NM_000548.5 (MANE Select); coding-DNA position 3039, T replaced by C.
Protein change: p.Asp1013=; no amino-acid change (aspartic acid 1013 retained).
Molecular consequence: synonymous variant.
Genome position (GRCh38, 1-based): chr16:2,079,104, T>C. VCF-style: chr16-2079104-T-C. GRCh37 (hg19) VCF-style: chr16-2129105-T-C.
Other names: c.2907T>C, p.Asp969= (NM_001077183.3, NM_001370404.1); c.3039T>C, p.Asp1013= (NM_001114382.3); c.2799T>C, p.Asp933= (NM_001318827.2); c.2763T>C, p.Asp921= (NM_001318829.2); c.2307T>C, p.Asp769= (NM_001318831.2); c.2940T>C, p.Asp980= (NM_001318832.2); c.2910T>C, p.Asp970= (NM_001363528.2, NM_001370405.1, NM_021055.3).
Identifiers: ClinVar variation 467987 (VCV000467987.46), dbSNP rs149098424, ClinGen allele CA044068.